The following is an entry in ClinVar:

ClinVar aggregate classification (germline): Uncertain significance. Review status: criteria provided, multiple submitters, no conflicts (2 of 4 stars). 2 submissions from 2 submitters: Uncertain significance (2). Last evaluated 2023-12-25.

Allele frequency attached by ClinVar (database versions not stated): gnomAD exomes below 0.00001; TOPMed below 0.00001.
gnomAD v4.1: 1 of 1,614,152 alleles (0.000062%); highest among the groups gnomAD compares: Non-Finnish European, 0.000085%; no homozygotes.

Submissions (2):

Ambry Genetics
Classification: Uncertain significance. Last evaluated: 2023-12-25. Review status: criteria provided, single submitter. Criteria: Ambry Variant Classification Scheme 2023. Collection method: clinical testing. Allele origin: germline.
Comment: The p.F1051L variant (also known as c.3153C>A), located in coding exon 26 of the A2ML1 gene, results from a C to A substitution at nucleotide position 3153. The phenylalanine at codon 1051 is replaced by leucine, an amino acid with highly similar properties. This amino acid position is conserved. In addition, this alteration is predicted to be tolerated by in silico analysis. Since supporting evidence is limited at this time, the clinical significance of this alteration remains unclear.

Labcorp Genetics (formerly Invitae), Labcorp
Classification: Uncertain significance. Last evaluated: 2023-05-25. Review status: criteria provided, single submitter. Criteria: Invitae Variant Classification Sherloc (09022015). Collection method: clinical testing. Allele origin: germline.
Comment: In summary, the available evidence is currently insufficient to determine the role of this variant in disease. Therefore, it has been classified as a Variant of Uncertain Significance. An algorithm developed to predict the effect of missense changes on protein structure and function (PolyPhen-2) suggests that this variant is likely to be disruptive. This variant has not been reported in the literature in individuals affected with A2ML1-related conditions. This variant is not present in population databases (gnomAD no frequency). This sequence change replaces phenylalanine, which is neutral and non-polar, with leucine, which is neutral and non-polar, at codon 1051 of the A2ML1 protein (p.Phe1051Leu).

NM_144670.6(A2ML1):c.3153C>A (p.Phe1051Leu)

Gene: A2ML1 (alpha-2-macroglobulin like 1; plus strand). Cytogenetic location: 12p13.31.
Variant type: single nucleotide variant.
Coding change: c.3153C>A on transcript NM_144670.6 (MANE Select); coding-DNA position 3153, C replaced by A.
Protein change: p.Phe1051Leu; replaces phenylalanine 1051 with leucine.
Molecular consequence: missense variant.
Genome position (GRCh38, 1-based): chr12:8,857,991, C>A. VCF-style: chr12-8857991-C-A. GRCh37 (hg19) VCF-style: chr12-9010587-C-A.
Other names: c.1680C>A, p.Phe560Leu (NM_001282424.3); c.3153C>A (NM_144670.3); short protein forms F1051L, F560L.
Identifiers: ClinVar variation 2975883 (VCV002975883.4), dbSNP rs1264199430, ClinGen allele CA383838069.